The following is an entry in ClinVar:

NM_001349253.2(SCN11A):c.193C>T (p.Leu65Phe)

Gene: SCN11A (sodium voltage-gated channel alpha subunit 11; minus strand). Cytogenetic location: 3p22.2.
Variant type: single nucleotide variant.
Coding change: c.193C>T on transcript NM_001349253.2 (MANE Select); coding-DNA position 193, C replaced by T.
Protein change: p.Leu65Phe; replaces leucine 65 with phenylalanine.
Molecular consequence: missense variant.
Genome position (GRCh38, 1-based): chr3:38,950,170, G>A on the plus strand (C>T on the coding strand, the complement: SCN11A is on the minus strand). VCF-style: chr3-38950170-G-A. GRCh37 (hg19) VCF-style: chr3-38991661-G-A.
Other names: c.193C>T, p.Leu65Phe (NM_014139.3); short protein forms L65F.
Identifiers: ClinVar variation 2435667 (VCV002435667.5), dbSNP rs1035232025, ClinGen allele CA72994418.

ClinVar aggregate classification (germline): Uncertain significance. Review status: criteria provided, multiple submitters, no conflicts (2 of 4 stars). 2 submissions from 2 submitters: Uncertain significance (2). Last evaluated 2025-02-19.

Conditions:
Hereditary sensory and autonomic neuropathy type 7. Also called: HSAN VII; Neuropathy, hereditary sensory and autonomic, type VII. Identifiers: Orphanet 391397, MedGen C3809882, MONDO:0014244, OMIM 615548.
Familial episodic pain syndrome with predominantly lower limb involvement. Also called: Episodic pain syndrome, familial, 3. Identifiers: Orphanet 391384, Orphanet 391392, MedGen C3809899, MONDO:0014247, OMIM 615552.

Allele frequency attached by ClinVar (database versions not stated): gnomAD 0.00001; gnomAD exomes 0.00001.
gnomAD v4.1: 18 of 1,611,490 alleles (0.0011%); highest among the groups gnomAD compares: East Asian, 0.0022%; no homozygotes.

Submissions (2):

Labcorp Genetics (formerly Invitae), Labcorp
Classification: Uncertain significance for Familial episodic pain syndrome with predominantly lower limb involvement; Hereditary sensory and autonomic neuropathy type 7. Last evaluated: 2025-02-19. Review status: criteria provided, single submitter. Criteria: Invitae Variant Classification Sherloc (09022015). Collection method: clinical testing. Allele origin: germline.
Comment: This sequence change replaces leucine, which is neutral and non-polar, with phenylalanine, which is neutral and non-polar, at codon 65 of the SCN11A protein (p.Leu65Phe). This variant is present in population databases (no rsID available, gnomAD 0.0009%). This variant has not been reported in the literature in individuals affected with SCN11A-related conditions. ClinVar contains an entry for this variant (Variation ID: 2435667). Invitae Evidence Modeling of protein sequence and biophysical properties (such as structural, functional, and spatial information, amino acid conservation, physicochemical variation, residue mobility, and thermodynamic stability) indicates that this missense variant is not expected to disrupt SCN11A protein function with a negative predictive value of 80%. In summary, the available evidence is currently insufficient to determine the role of this variant in disease. Therefore, it has been classified as a Variant of Uncertain Significance.

Revvity Omics, Revvity
Classification: Uncertain significance. Last evaluated: 2022-08-12. Review status: criteria provided, single submitter. Criteria: ACMG Guidelines, 2015. Collection method: clinical testing. Allele origin: germline.